The following is an entry in ClinVar:

ClinVar aggregate classification (germline): Uncertain significance (1 of 4 stars; one submission).

Conditions:
Nemaline myopathy 8 (NEM8). Also called: Nemaline myopathy 8, autosomal recessive. Identifiers: Orphanet 171430, MedGen C3809209, MONDO:0014138, OMIM 615348.

gnomAD v4.1: 6 of 1,613,164 alleles (0.00037%); highest among the groups gnomAD compares: South Asian, 0.0011%; no homozygotes.

Submission:

Labcorp Genetics (formerly Invitae), Labcorp
Classification: Uncertain significance for Nemaline myopathy 8. Last evaluated: 2025-07-27. Review status: criteria provided, single submitter. Criteria: Invitae Variant Classification Sherloc (09022015). Collection method: clinical testing. Allele origin: germline.
Comment: This sequence change replaces aspartic acid, which is acidic and polar, with tyrosine, which is neutral and polar, at codon 34 of the KLHL40 protein (p.Asp34Tyr). This variant is present in population databases (rs778565563, gnomAD 0.003%). This variant has not been reported in the literature in individuals affected with KLHL40-related conditions. Invitae Evidence Modeling of protein sequence and biophysical properties (such as structural, functional, and spatial information, amino acid conservation, physicochemical variation, residue mobility, and thermodynamic stability) has been performed for this missense variant. However, the output from this modeling did not meet the statistical confidence thresholds required to predict the impact of this variant on KLHL40 protein function. In summary, the available evidence is currently insufficient to determine the role of this variant in disease. Therefore, it has been classified as a Variant of Uncertain Significance.

NM_152393.4(KLHL40):c.100G>T (p.Asp34Tyr)

Gene: KLHL40 (kelch like family member 40; plus strand). Cytogenetic location: 3p22.1.
Variant type: single nucleotide variant.
Coding change: c.100G>T on transcript NM_152393.4 (MANE Select); coding-DNA position 100, G replaced by T.
Protein change: p.Asp34Tyr; replaces aspartic acid 34 with tyrosine.
Molecular consequence: missense variant.
Genome position (GRCh38, 1-based): chr3:42,685,718, G>T. VCF-style: chr3-42685718-G-T. GRCh37 (hg19) VCF-style: chr3-42727210-G-T.
Other names: short protein forms D34Y.
Identifiers: ClinVar variation 4709005 (VCV004709005.1).